The following is an entry in ClinVar:

NM_001303029.2(PKP3):c.75G>A (p.Thr25=)

Gene: PKP3 (plakophilin 3; plus strand). Cytogenetic location: 11p15.5.
Variant type: single nucleotide variant.
Coding change: c.75G>A on transcript NM_001303029.2; coding-DNA position 75, G replaced by A.
Protein change: p.Thr25=; no amino-acid change (threonine 25 retained).
Molecular consequence: synonymous variant.
Genome position (GRCh38, 1-based): chr11:392,702, G>A. VCF-style: chr11-392702-G-A. GRCh37 (hg19) VCF-style: chr11-392702-G-A.
Identifiers: ClinVar variation 2641043 (VCV002641043.22), dbSNP rs143728940, ClinGen allele CA5775342.
Genomic context (GRCh38, chr11:392,702, plus strand): 5'-ACCTCGGCCGTCAGCAGTGGCCTCTGGGATGAGCTGGGAGGCTGGCGGGATCCGGACCAC[G>A]AGCCGGGTAGGTCTCCCACCCCTTCCCCACCACCCCGACCCCACCTGGTGGCCCCAGCCC-3'

ClinVar aggregate classification (germline): Likely benign (1 of 4 stars; one submission).

Allele frequency attached by ClinVar (database versions not stated): 1000 Genomes Project 0.00060; ExAC 0.00102; 1000 Genomes Project 30x 0.00281; gnomAD 0.00394; TOPMed 0.00468.

Submission:

CeGaT Center for Human Genetics Tuebingen
Classification: Likely benign. Last evaluated: 2025-01-01. Review status: criteria provided, single submitter. Criteria: CeGaT Center For Human Genetics Tuebingen Variant Classification Criteria Version 2. Collection method: clinical testing. Allele origin: germline. Affected: yes. Observed: 2 variant alleles.
Comment: PKP3: BP4, BP7, BS2